The following is an entry in ClinVar:

NM_139276.3(STAT3):c.737G>A (p.Arg246Gln)

Genes: STAT3 (signal transducer and activator of transcription 3; minus strand), LOC130060888 (ATAC-STARR-seq lymphoblastoid active region 12197; plus strand). Cytogenetic location: 17q21.2.
Variant type: single nucleotide variant.
Coding change: c.737G>A on transcript NM_139276.3 (MANE Select); coding-DNA position 737, G replaced by A.
Protein change: p.Arg246Gln; replaces arginine 246 with glutamine.
Molecular consequence: missense variant.
Genome position (GRCh38, 1-based): chr17:42,337,495, C>T on the plus strand (G>A on the coding strand, the complement: STAT3 is on the minus strand). VCF-style: chr17-42337495-C-T. GRCh37 (hg19) VCF-style: chr17-40489513-C-T.
Other names: c.737G>A, p.Arg246Gln (NM_003150.4, NM_213662.2, NM_001369512.1 and 15 more transcripts); c.659G>A, p.Arg220Gln (NM_001384985.1); c.641G>A, p.Arg214Gln (NM_001384989.1); short protein forms R214Q, R246Q, R220Q.
Identifiers: ClinVar variation 4783826 (VCV004783826.1).
Genomic context (GRCh38, chr17:42,337,495, plus strand): 5'-CAGTTTTCTAGCCGATCTAGGCAGATGTTGGGCGGGCCTCCAATGCAGGCAATCTGTTGC[C>T]GCCTCTTCCAGTCAGCCAGCTCCTCGTCCGTGAGAGTTTTCTGCACGTACTCCATCGCTG-3'
Protein context (NP_644805.1, residues 236-256): TDEELADWKR[Arg246Gln]QQIACIGGPP

ClinVar aggregate classification (germline): Uncertain significance (1 of 4 stars; one submission).

Conditions:
STAT3 gain of function. Identifiers: MedGen C4288261.
Hyper-IgE recurrent infection syndrome 1, autosomal dominant. Also called: JOB SYNDROME; Job's Syndrome; STAT3 Hyper IgE Syndrome; Hyper-IgE recurrent infection syndrome 1; HYPER-IgE SYNDROME 1, AUTOSOMAL DOMINANT, WITH RECURRENT INFECTIONS. Identifiers: Orphanet 2314, MedGen C2936739, MONDO:0007818, OMIM 147060.

Submission:

Labcorp Genetics (formerly Invitae), Labcorp
Classification: Uncertain significance for STAT3 gain of function; Hyper-IgE recurrent infection syndrome 1, autosomal dominant. Last evaluated: 2025-12-19. Review status: criteria provided, single submitter. Criteria: Invitae Variant Classification Sherloc (09022015). Collection method: clinical testing. Allele origin: germline.
Comment: This sequence change replaces arginine, which is basic and polar, with glutamine, which is neutral and polar, at codon 246 of the STAT3 protein (p.Arg246Gln). This variant is present in population databases (no rsID available, gnomAD no frequency). This missense change has been observed in individual(s) with clinical features of STAT3 gain of function autoimmune disease (PMID: 27379089). In at least one individual the variant was observed to be de novo. Invitae Evidence Modeling of protein sequence and biophysical properties (such as structural, functional, and spatial information, amino acid conservation, physicochemical variation, residue mobility, and thermodynamic stability) indicates that this missense variant is not expected to disrupt STAT3 protein function with a negative predictive value of 80%. In summary, the available evidence is currently insufficient to determine the role of this variant in disease. Therefore, it has been classified as a Variant of Uncertain Significance.

Literature cited by the submitters: PubMed 27379089.